The following is an entry in ClinVar:

NM_000789.4(ACE):c.929G>A (p.Ser310Asn)

Gene: ACE (angiotensin I converting enzyme; plus strand). Cytogenetic location: 17q23.3.
Variant type: single nucleotide variant.
Coding change: c.929G>A on transcript NM_000789.4 (MANE Select); coding-DNA position 929, G replaced by A.
Protein change: p.Ser310Asn; replaces serine 310 with asparagine.
Molecular consequence: missense variant. On other transcripts: synonymous variant (1).
Genome position (GRCh38, 1-based): chr17:63,481,172, G>A. VCF-style: chr17-63481172-G-A. GRCh37 (hg19) VCF-style: chr17-61558533-G-A.
Other names: c.456G>A, p.Gln152= (NM_001382700.1); c.77G>A, p.Ser26Asn (NM_001382701.1); short protein forms S26N, S310N.
Identifiers: ClinVar variation 4082916 (VCV004082916.1).

ClinVar aggregate classification (germline): Uncertain significance (1 of 4 stars; one submission).

gnomAD v4.1: 5 of 1,584,798 alleles (0.00032%); highest among the groups gnomAD compares: African/African-American, 0.0041%; no homozygotes.

Submission:

GeneDx
Classification: Uncertain significance. Last evaluated: 2025-03-13. Review status: criteria provided, single submitter. Criteria: GeneDx Variant Classification Process June 2021. Collection method: clinical testing. Allele origin: germline. Affected: yes.
Comment: Not observed at significant frequency in large population cohorts (gnomAD); In silico analysis indicates that this missense variant does not alter protein structure/function; Has not been previously published as pathogenic or benign to our knowledge